The following is an entry in ClinVar:

ClinVar aggregate classification (germline): Uncertain significance (1 of 4 stars; one submission).

Submission:

GeneDx
Classification: Uncertain significance. Last evaluated: 2023-12-21. Review status: criteria provided, single submitter. Criteria: GeneDx Variant Classification Process June 2021. Collection method: clinical testing. Allele origin: germline. Affected: yes.
Comment: Not observed at significant frequency in large population cohorts (gnomAD); In silico analysis supports that this missense variant has a deleterious effect on protein structure/function; Has not been previously published as pathogenic or benign to our knowledge

NM_053025.4(MYLK):c.1248T>A (p.Phe416Leu)

Gene: MYLK (myosin light chain kinase; minus strand). Cytogenetic location: 3q21.1.
Variant type: single nucleotide variant.
Coding change: c.1248T>A on transcript NM_053025.4 (MANE Select); coding-DNA position 1248, T replaced by A.
Protein change: p.Phe416Leu; replaces phenylalanine 416 with leucine.
Molecular consequence: missense variant.
Genome position (GRCh38, 1-based): chr3:123,733,748, A>T on the plus strand (T>A on the coding strand, the complement: MYLK is on the minus strand). VCF-style: chr3-123733748-A-T. GRCh37 (hg19) VCF-style: chr3-123452595-A-T.
Other names: c.720T>A, p.Phe240Leu (NM_001321309.2); c.1248T>A, p.Phe416Leu (NM_053026.4, NM_053027.4, NM_053028.4); short protein forms F240L, F416L.
Identifiers: ClinVar variation 3370131 (VCV003370131.1).